The following is an entry in ClinVar:

NM_002734.5(PRKAR1A):c.197A>C (p.Gln66Pro)

Gene: PRKAR1A (protein kinase cAMP-dependent type I regulatory subunit alpha; plus strand). Cytogenetic location: 17q24.2.
Variant type: single nucleotide variant.
Coding change: c.197A>C on transcript NM_002734.5 (MANE Select); coding-DNA position 197, A replaced by C.
Protein change: p.Gln66Pro; replaces glutamine 66 with proline.
Molecular consequence: missense variant.
Genome position (GRCh38, 1-based): chr17:68,522,775, A>C. VCF-style: chr17-68522775-A-C. GRCh37 (hg19) VCF-style: chr17-66518916-A-C.
Other names: c.197A>C, p.Gln66Pro (NM_001276289.2, NM_001276290.1, NM_001278433.2 and 4 more transcripts); short protein forms Q66P.
Identifiers: ClinVar variation 5027332 (VCV005027332.1).

ClinVar aggregate classification (germline): Uncertain significance (1 of 4 stars; one submission).

Conditions:
Hereditary cancer-predisposing syndrome. Also called: Neoplastic Syndromes, Hereditary; Tumor predisposition; Hereditary neoplastic syndrome; Hereditary Cancer Syndrome. Identifiers: Orphanet 140162, MedGen C0027672, MeSH D009386, MONDO:0015356.

Submission:

Ambry Genetics
Classification: Uncertain significance for Hereditary cancer-predisposing syndrome. Last evaluated: 2026-07-07. Review status: criteria provided, single submitter. Criteria: Ambry Variant Classification Scheme 2023. Collection method: clinical testing. Allele origin: germline.
Comment: The p.Q66P variant (also known as c.197A>C), located in coding exon 2 of the PRKAR1A gene, results from an A to C substitution at nucleotide position 197. The glutamine at codon 66 is replaced by proline, an amino acid with similar properties. This amino acid position is conserved. In addition, the in silico prediction for this alteration is inconclusive. Based on the available evidence, the clinical significance of this variant remains unclear.